The following is an entry in ClinVar:

NM_005529.7(HSPG2):c.1654+15G>A

Gene: HSPG2 (heparan sulfate proteoglycan 2; minus strand). Cytogenetic location: 1p36.12.
Variant type: single nucleotide variant.
Coding change: c.1654+15G>A on transcript NM_005529.7 (MANE Select); 15 bases into the intron after coding-DNA position 1654, G replaced by A.
Molecular consequence: intron variant.
Genome position (GRCh38, 1-based): chr1:21,884,513, C>T on the plus strand (G>A on the coding strand, the complement: HSPG2 is on the minus strand). VCF-style: chr1-21884513-C-T. GRCh37 (hg19) VCF-style: chr1-22211006-C-T.
Other names: c.1657+15G>A (NM_001291860.2).
Identifiers: ClinVar variation 295889 (VCV000295889.8), dbSNP rs886046043, ClinGen allele CA10610077.
Genomic context (GRCh38, chr1:21,884,513, plus strand): 5'-CTATCCTCTGTGCCCCCTGGGTACAGAGGTACCCACCTCCCACCTCCCGCAGCGCTCACC[C>T]GCCCGCCAACGCACCCTTGAAGTCATCGGGTTGGTCAAAGCGCAGCCTGATCTGGTCCCG-3'

ClinVar aggregate classification (germline): Conflicting classifications of pathogenicity. Review status: criteria provided, conflicting classifications (1 of 4 stars). 3 submissions from 2 submitters: Likely pathogenic (1); Uncertain significance (2). Last evaluated 2025-04-20.

Conditions:
Lethal Kniest-like syndrome (DDSH). Also called: Dyssegmental Dysplasia. Identifiers: Orphanet 1865, MedGen C1857100, MONDO:0009140, OMIM 224410.
Schwartz-Jampel syndrome. Also called: Myotonic myopathy dwarfism chondrodystrophy and ocular and facial abnormalities. Identifiers: Orphanet 800, MedGen C0036391, MONDO:0009717.

Allele frequency attached by ClinVar (database versions not stated): gnomAD exomes below 0.00001; TOPMed below 0.00001.
gnomAD v4.1: 4 of 1,610,968 alleles (0.00025%); highest among the groups gnomAD compares: Non-Finnish European, 0.00034%; no homozygotes.

Submissions (3):

Labcorp Genetics (formerly Invitae), Labcorp
Classification: Likely pathogenic. Last evaluated: 2025-04-20. Review status: criteria provided, single submitter. Criteria: Invitae Variant Classification Sherloc (09022015). Collection method: clinical testing. Allele origin: germline.
Comment: This sequence change falls in intron 13 of the HSPG2 gene. It does not directly change the encoded amino acid sequence of the HSPG2 protein. This variant is not present in population databases (gnomAD no frequency). This variant has been observed in individual(s) with Schwartz-Jampel syndrome (PMID: 24011702, 31127727). In at least one individual the data is consistent with being in trans (on the opposite chromosome) from a pathogenic variant. It has also been observed to segregate with disease in related individuals. ClinVar contains an entry for this variant (Variation ID: 295889). Algorithms developed to predict the effect of sequence changes on RNA splicing suggest that this variant may disrupt the consensus splice site. In summary, the currently available evidence indicates that the variant is pathogenic, but additional data are needed to prove that conclusively. Therefore, this variant has been classified as Likely Pathogenic.

Illumina Laboratory Services, Illumina
Classification: Uncertain significance for Schwartz-Jampel syndrome type 1. Last evaluated: 2018-01-13. Review status: criteria provided, single submitter. Criteria: ICSL Variant Classification Criteria 13 December 2019. Collection method: clinical testing. Allele origin: germline.

Illumina Laboratory Services, Illumina
Classification: Uncertain significance for Lethal Kniest-like syndrome. Last evaluated: 2018-01-13. Review status: criteria provided, single submitter. Criteria: ICSL Variant Classification Criteria 13 December 2019. Collection method: clinical testing. Allele origin: germline.

Literature cited by the submitters: PubMed 24011702 (cited by Labcorp Genetics (formerly Invitae), Labcorp); PubMed 31127727 (cited by Labcorp Genetics (formerly Invitae), Labcorp).